The following is an entry in ClinVar:

ClinVar aggregate classification (germline): Uncertain significance (1 of 4 stars; one submission).

Conditions:
Familial sleep-related hypermotor epilepsy. Also called: Autosomal Dominant Sleep-Related Hypermotor (Hyperkinetic) Epilepsy. Identifiers: Orphanet 98784, MedGen C3696898, MONDO:0000030.

Allele frequency attached by ClinVar (database versions not stated): gnomAD exomes below 0.00001; ESP Exome Variant Server 0.00008; ExAC 0.00001.
gnomAD v4.1: 3 of 1,611,366 alleles (0.00019%); highest among the groups gnomAD compares: East Asian, 0.0022%; no homozygotes.

Submission:

Labcorp Genetics (formerly Invitae), Labcorp
Classification: Uncertain significance. Last evaluated: 2025-06-19. Review status: criteria provided, single submitter. Criteria: Invitae Variant Classification Sherloc (09022015). Collection method: clinical testing. Allele origin: germline.
Comment: This sequence change replaces arginine, which is basic and polar, with tryptophan, which is neutral and slightly polar, at codon 33 of the CHRNA4 protein (p.Arg33Trp). This variant is present in population databases (rs370553755, gnomAD 0.0009%). This variant has not been reported in the literature in individuals affected with CHRNA4-related conditions. ClinVar contains an entry for this variant (Variation ID: 861989). Invitae Evidence Modeling of protein sequence and biophysical properties (such as structural, functional, and spatial information, amino acid conservation, physicochemical variation, residue mobility, and thermodynamic stability) has been performed for this missense variant. However, the output from this modeling did not meet the statistical confidence thresholds required to predict the impact of this variant on CHRNA4 protein function. In summary, the available evidence is currently insufficient to determine the role of this variant in disease. Therefore, it has been classified as a Variant of Uncertain Significance.

NM_000744.7(CHRNA4):c.97C>T (p.Arg33Trp)

Gene: CHRNA4 (cholinergic receptor nicotinic alpha 4 subunit; minus strand). Cytogenetic location: 20q13.33.
Variant type: single nucleotide variant.
Coding change: c.97C>T on transcript NM_000744.7 (MANE Select); coding-DNA position 97, C replaced by T.
Protein change: p.Arg33Trp; replaces arginine 33 with tryptophan.
Molecular consequence: missense variant. On other transcripts: 5 prime UTR variant (1), non-coding transcript variant (1).
Genome position (GRCh38, 1-based): chr20:63,359,679, G>A on the plus strand (C>T on the coding strand, the complement: CHRNA4 is on the minus strand). VCF-style: chr20-63359679-G-A. GRCh37 (hg19) VCF-style: chr20-61991031-G-A.
Other names: c.-450C>T (NM_001256573.2); short protein forms R33W.
Identifiers: ClinVar variation 861989 (VCV000861989.7), dbSNP rs370553755, ClinGen allele CA9957974.
Genomic context (GRCh38, chr20:63,359,679, plus strand): 5'-GGGACCACTTGTTGTAACCGGAGAAGAGTTTCTTCAGGAGCCGCTCCTCGGCGTGGGCCC[G>A]GGTCTCCACATGGCTGCTGGCTGCGGGGAGAGGCAGGCCAGTGGCTCAGGTGCAGGCGGG-3'
Protein context (NP_000735.1, residues 23-43): LLRASSHVET[Arg33Trp]AHAEERLLKK